The following is an entry in ClinVar:

NM_201384.3(PLEC):c.3959G>T (p.Arg1320Leu)

Gene: PLEC (plectin; minus strand). Cytogenetic location: 8q24.3.
Variant type: single nucleotide variant.
Coding change: c.3959G>T on transcript NM_201384.3 (MANE Select); coding-DNA position 3959, G replaced by T.
Protein change: p.Arg1320Leu; replaces arginine 1320 with leucine.
Molecular consequence: missense variant.
Genome position (GRCh38, 1-based): chr8:143,926,869, C>A on the plus strand (G>T on the coding strand, the complement: PLEC is on the minus strand). VCF-style: chr8-143926869-C-A. GRCh37 (hg19) VCF-style: chr8-145001037-C-A.
Other names: c.3893G>T, p.Arg1298Leu (NM_201379.3); c.4370G>T, p.Arg1457Leu (NM_201380.4); c.3863G>T, p.Arg1288Leu (NM_201381.3); c.3959G>T, p.Arg1320Leu (NM_201382.4); c.3971G>T, p.Arg1324Leu (NM_201383.3); c.4040G>T, p.Arg1347Leu (NM_000445.5, NM_001410941.1); c.3917G>T, p.Arg1306Leu (NM_201378.4); short protein forms R1324L, R1457L, R1288L, R1298L, R1306L, R1320L, R1347L.
Identifiers: ClinVar variation 2952888 (VCV002952888.3), dbSNP rs782791508, ClinGen allele CA372563453.

ClinVar aggregate classification (germline): Uncertain significance (1 of 4 stars; one submission).

Conditions:
Epidermolysis bullosa simplex with nail dystrophy (EBS5D). Identifiers: MedGen C4225309, MONDO:0014661, OMIM 616487.
Autosomal recessive limb-girdle muscular dystrophy type 2Q (LGMDR17). Also called: MUSCULAR DYSTROPHY, LIMB-GIRDLE, AUTOSOMAL RECESSIVE 17. Identifiers: Orphanet 254361, MedGen C3150989, MONDO:0013390, OMIM 613723.
Epidermolysis bullosa simplex 5C, with pyloric atresia (EBS5C). Also called: PLEC1-Related Epidermolysis Bullosa with Pyloric Atresia; PLEC-Related Epidermolysis Bullosa with Pyloric Atresia; Epidermolysis bullosa simplex with pyloric atresia. Identifiers: Orphanet 158684, MedGen C2677349, MONDO:0012807, OMIM 612138.
Epidermolysis bullosa simplex 5B, with muscular dystrophy (EBS5B). Also called: Epidermolysis bullosa simplex with muscular dystrophy; EPIDERMOLYSIS BULLOSA SIMPLEX AND LIMB-GIRDLE MUSCULAR DYSTROPHY. Identifiers: Orphanet 257, MedGen C2931072, MONDO:0009181, OMIM 226670.
Epidermolysis bullosa simplex, Ogna type (EBS5A). Also called: EPIDERMOLYSIS BULLOSA SIMPLEX 5A, OGNA TYPE; Pidermolysis bullosa simplex 5A, Ogna type. Identifiers: Orphanet 79401, MedGen C0432317, MONDO:0007555, OMIM 131950.

Submission:

Labcorp Genetics (formerly Invitae), Labcorp
Classification: Uncertain significance for Autosomal recessive limb-girdle muscular dystrophy type 2Q; Epidermolysis bullosa simplex, Ogna type; Epidermolysis bullosa simplex with nail dystrophy; Epidermolysis bullosa simplex 5C, with pyloric atresia; Epidermolysis bullosa simplex 5B, with muscular dystrophy. Last evaluated: 2023-10-14. Review status: criteria provided, single submitter. Criteria: Invitae Variant Classification Sherloc (09022015). Collection method: clinical testing. Allele origin: germline.
Comment: This sequence change replaces arginine, which is basic and polar, with leucine, which is neutral and non-polar, at codon 1347 of the PLEC protein (p.Arg1347Leu). This variant is not present in population databases (gnomAD no frequency). This variant has not been reported in the literature in individuals affected with PLEC-related conditions. Advanced modeling of protein sequence and biophysical properties (such as structural, functional, and spatial information, amino acid conservation, physicochemical variation, residue mobility, and thermodynamic stability) performed at Invitae indicates that this missense variant is not expected to disrupt PLEC protein function. In summary, the available evidence is currently insufficient to determine the role of this variant in disease. Therefore, it has been classified as a Variant of Uncertain Significance.